The following is an entry in ClinVar:

ClinVar aggregate classification (germline): Likely benign. Review status: criteria provided, multiple submitters, no conflicts (2 of 4 stars). 2 submissions from 2 submitters: Likely benign (2). Last evaluated 2018-01-13.

Conditions:
Hydatidiform mole, recurrent, 1 (HYDM1). Identifiers: Orphanet 254688, Orphanet 99927, MedGen C3463897, MONDO:0009273, OMIM 231090. Disease mechanism: loss of function.

Allele frequency attached by ClinVar (database versions not stated): gnomAD exomes 0.00215; ExAC 0.00269; TOPMed 0.00831; ESP Exome Variant Server 0.00946; 1000 Genomes Project 0.01218; 1000 Genomes Project 30x 0.01234.
gnomAD v4.1: 2,449 of 1,611,988 alleles (0.15%); highest among the groups gnomAD compares: African/African-American, 2.8%; 37 homozygotes.

Submissions (2):

Illumina Laboratory Services, Illumina
Classification: Likely benign for Hydatidiform mole, recurrent, 1. Last evaluated: 2018-01-13. Review status: criteria provided, single submitter. Criteria: ICSL Variant Classification Criteria 13 December 2019. Collection method: clinical testing. Allele origin: germline.
Comment: This variant was observed in the ICSL laboratory as part of a predisposition screen in an ostensibly healthy population. It had not been previously curated by ICSL or reported in the Human Gene Mutation Database (HGMD: prior to June 1st, 2018), and was therefore a candidate for classification through an automated scoring system. Utilizing variant allele frequency, disease prevalence and penetrance estimates, and inheritance mode, an automated score was calculated to assess if this variant is too frequent to cause the disease. Based on the score and internal cut-off values, a variant classified as likely benign is not then subjected to further curation. The score for this variant resulted in a classification of likely benign for this disease.

Breakthrough Genomics
Classification: Likely benign. Review status: criteria provided, single submitter. Criteria: ACMG Guidelines, 2015. Collection method: not provided. Allele origin: germline. Inheritance: Autosomal recessive inheritance. Affected: yes.

NM_001127255.2(NLRP7):c.2721C>T (p.Asn907=)

Genes: NLRP7 (NLR family pyrin domain containing 7; minus strand), NCR1 (natural cytotoxicity triggering receptor 1). Cytogenetic location: 19q13.42.
Variant type: single nucleotide variant.
Coding change: c.2721C>T on transcript NM_001127255.2 (MANE Select); coding-DNA position 2721, C replaced by T.
Protein change: p.Asn907=; no amino-acid change (asparagine 907 retained).
Molecular consequence: synonymous variant.
Genome position (GRCh38, 1-based): chr19:54,930,588, G>A on the plus strand (C>T on the coding strand, the complement: NLRP7 is on the minus strand). VCF-style: chr19-54930588-G-A. GRCh37 (hg19) VCF-style: chr19-55441956-G-A.
Other names: c.2721C>T, p.Asn907= (NM_001405531.1, NM_206828.4); c.2637C>T, p.Asn879= (NM_139176.4).
Identifiers: ClinVar variation 893860 (VCV000893860.7), dbSNP rs61750468, ClinGen allele CA310008183.